The following is an entry in ClinVar:

NM_014874.4(MFN2):c.824G>A (p.Arg275Gln)

Gene: MFN2 (mitofusin 2; plus strand). Cytogenetic location: 1p36.22.
Variant type: single nucleotide variant.
Coding change: c.824G>A on transcript NM_014874.4 (MANE Select); coding-DNA position 824, G replaced by A.
Protein change: p.Arg275Gln; replaces arginine 275 with glutamine.
Molecular consequence: missense variant.
Genome position (GRCh38, 1-based): chr1:12,001,408, G>A. VCF-style: chr1-12001408-G-A. GRCh37 (hg19) VCF-style: chr1-12061465-G-A.
Other names: c.824G>A, p.Arg275Gln (NM_001127660.2); short protein forms R275Q.
Identifiers: ClinVar variation 835147 (VCV000835147.10), dbSNP rs560470663, ClinGen allele CA598950.

ClinVar aggregate classification (germline): Uncertain significance (1 of 4 stars; one submission).

Conditions:
Charcot-Marie-Tooth disease type 2. Also called: Charcot-Marie-Tooth type 2. Identifiers: Orphanet 64746, MedGen C0270914, MONDO:0018993.

Allele frequency attached by ClinVar (database versions not stated): ExAC 0.00002; TOPMed below 0.00001; 1000 Genomes Project 0.00020; gnomAD 0.00001; gnomAD exomes 0.00002 and 0.00001; 1000 Genomes Project 30x 0.00016.
gnomAD v4.1: 10 of 1,613,546 alleles (0.00062%); highest among the groups gnomAD compares: Admixed American, 0.0017%; no homozygotes.

Submission:

Labcorp Genetics (formerly Invitae), Labcorp
Classification: Uncertain significance for Charcot-Marie-Tooth disease type 2. Last evaluated: 2025-06-01. Review status: criteria provided, single submitter. Criteria: Invitae Variant Classification Sherloc (09022015). Collection method: clinical testing. Allele origin: germline.
Comment: This sequence change replaces arginine, which is basic and polar, with glutamine, which is neutral and polar, at codon 275 of the MFN2 protein (p.Arg275Gln). This variant is present in population databases (rs560470663, gnomAD 0.006%). This variant has not been reported in the literature in individuals affected with MFN2-related conditions. ClinVar contains an entry for this variant (Variation ID: 835147). Invitae Evidence Modeling of protein sequence and biophysical properties (such as structural, functional, and spatial information, amino acid conservation, physicochemical variation, residue mobility, and thermodynamic stability) indicates that this missense variant is not expected to disrupt MFN2 protein function with a negative predictive value of 80%. In summary, the available evidence is currently insufficient to determine the role of this variant in disease. Therefore, it has been classified as a Variant of Uncertain Significance.